The following is an entry in ClinVar:

NM_001374736.1(DST):c.21231G>A (p.Lys7077=)

Gene: DST (dystonin; minus strand). Cytogenetic location: 6p12.1.
Variant type: single nucleotide variant.
Coding change: c.21231G>A on transcript NM_001374736.1 (MANE Select); coding-DNA position 21231, G replaced by A.
Protein change: p.Lys7077=; no amino-acid change (lysine 7077 retained).
Molecular consequence: synonymous variant.
Genome position (GRCh38, 1-based): chr6:56,482,854, C>T on the plus strand (G>A on the coding strand, the complement: DST is on the minus strand). VCF-style: chr6-56482854-C-T. GRCh37 (hg19) VCF-style: chr6-56347652-C-T.
Other names: c.14874G>A (NM_001144769.2); c.14874G>A, p.Lys4958= (NM_001144769.5); c.14460G>A, p.Lys4820= (NM_001144770.2); c.21231G>A, p.Lys7077= (NM_001374722.1); c.20271G>A, p.Lys6757= (NM_001374729.1); c.14013G>A, p.Lys4671= (NM_001374730.1); c.21258G>A, p.Lys7086= (NM_001374734.1); c.14340G>A, p.Lys4780= (NM_001386100.1, NM_183380.4); and 1 more.
Identifiers: ClinVar variation 1099719 (VCV001099719.10), dbSNP rs748287972, ClinGen allele CA3866551.

ClinVar aggregate classification (germline): Likely benign. Review status: criteria provided, multiple submitters, no conflicts (2 of 4 stars). 2 submissions from 2 submitters: Likely benign (2). Last evaluated 2025-10-09.

Conditions:
DST-related disorder. Also called: DST-related condition; DST-related disorders.
Epidermolysis bullosa simplex 3, localized or generalized intermediate, with BP230 deficiency (EBS3). Also called: Epidermolysis bullosa simplex, autosomal recessive 2; Epidermolysis bullosa simplex due to BP230 deficiency. Identifiers: Orphanet 412181, MedGen C3809470, MONDO:0014180, OMIM 615425.
Hereditary sensory and autonomic neuropathy type 6. Also called: Neuropathy, hereditary sensory and autonomic, type VI; HSAN VI. Identifiers: Orphanet 314381, MedGen C3539003, MONDO:0013839, OMIM 614653.

Allele frequency attached by ClinVar (database versions not stated): gnomAD 0.00001; gnomAD exomes 0.00001; TOPMed 0.00001; ExAC 0.00002.
gnomAD v4.1: 10 of 1,565,562 alleles (0.00064%); highest among the groups gnomAD compares: Non-Finnish European, 0.00087%; no homozygotes.

Submissions (2):

PreventionGenetics, part of Exact Sciences
Classification: Likely benign for DST-related condition. Last evaluated: 2025-10-09. Review status: criteria provided, single submitter. Criteria: ACMG Guidelines, 2015. Collection method: clinical testing. Allele origin: germline.
Comment: This variant is classified as likely benign based on ACMG/AMP sequence variant interpretation guidelines (Richards et al. 2015 PMID: 25741868, with internal and published modifications).

Labcorp Genetics (formerly Invitae), Labcorp
Classification: Likely benign for Epidermolysis bullosa simplex 3, localized or generalized intermediate, with BP230 deficiency; Hereditary sensory and autonomic neuropathy type 6. Last evaluated: 2025-02-06. Review status: criteria provided, single submitter. Criteria: Invitae Variant Classification Sherloc (09022015). Collection method: clinical testing. Allele origin: germline.